The following is an entry in ClinVar:

NM_001170629.2(CHD8):c.6601C>T (p.Pro2201Ser)

Gene: CHD8 (chromodomain helicase DNA binding protein 8; minus strand). Cytogenetic location: 14q11.2.
Variant type: single nucleotide variant.
Coding change: c.6601C>T on transcript NM_001170629.2 (MANE Select); coding-DNA position 6601, C replaced by T.
Protein change: p.Pro2201Ser; replaces proline 2201 with serine.
Molecular consequence: missense variant.
Genome position (GRCh38, 1-based): chr14:21,392,677, G>A on the plus strand (C>T on the coding strand, the complement: CHD8 is on the minus strand). VCF-style: chr14-21392677-G-A. GRCh37 (hg19) VCF-style: chr14-21860836-G-A.
Other names: c.5764C>T, p.Pro1922Ser (NM_020920.4); short protein forms P1922S, P2201S.
Identifiers: ClinVar variation 1805505 (VCV001805505.1), dbSNP rs2501849885, ClinGen allele CA388878544.
Genomic context (GRCh38, chr14:21,392,677, plus strand): 5'-CACTACTACTTCGTGGTGTGGGGACTGGAGAGTCACCATATTCTCCAGGAGTCAATGAGG[G>A]ACTGTCTAGCAAGTGGTTGCCTGGCCCCAAAATTCCTCCTGTTACCATTTCCTGGCTCCT-3'
Protein context (NP_001164100.1, residues 2191-2211): LGPGNHLLDS[Pro2201Ser]SLTPGEYGDS

ClinVar aggregate classification (germline): Uncertain significance (1 of 4 stars; one submission).

Conditions:
Intellectual developmental disorder with autism and macrocephaly. Also called: CHD8-Related Neurodevelopmental Disorder with Overgrowth; Autism, susceptibility to, 18. Identifiers: Orphanet 642675, MedGen C3554373, MONDO:0014017, OMIM 615032.

Submission:

Victorian Clinical Genetics Services, Murdoch Childrens Research Institute
Classification: Uncertain significance for Intellectual developmental disorder with autism and macrocephaly. Last evaluated: 2019-08-28. Review status: criteria provided, single submitter. Criteria: ACMG Guidelines, 2015. Collection method: clinical testing. Allele origin: germline. Inheritance: Autosomal dominant inheritance. Affected: yes.
Comment: A heterozygous missense variant was identified, NM_001170629.1(CHD8):c.6601C>T in exon 33 of 37 of the CHD8 gene. This substitution is predicted to create a moderate amino acid change from a proline to a serine at position 2201 of the protein, NP_001164100.1(CHD8):p.(Pro2201Ser). The proline at this position has moderate conservation (100 vertebrates, UCSC), and is located within the region of interaction with FAM124B. In silico software predicts this variant to be disease causing (Polyphen, SIFT, CADD, Mutation Taster). The variant is not present in the gnomAD population database and has not been previously reported in clinical cases. Based on information available at the time of curation, this variant has been classified as a VARIANT of UNCERTAIN SIGNIFICANCE (VUS).